The following is an entry in ClinVar:

NM_005732.4(RAD50):c.3334A>G (p.Arg1112Gly)

Gene: RAD50 (RAD50 double strand break repair protein; plus strand). Cytogenetic location: 5q31.1.
Variant type: single nucleotide variant.
Coding change: c.3334A>G on transcript NM_005732.4 (MANE Select); coding-DNA position 3334, A replaced by G.
Protein change: p.Arg1112Gly; replaces arginine 1112 with glycine.
Molecular consequence: missense variant.
Genome position (GRCh38, 1-based): chr5:132,618,239, A>G. VCF-style: chr5-132618239-A-G. GRCh37 (hg19) VCF-style: chr5-131953931-A-G.
Other names: short protein forms R1112G.
Identifiers: ClinVar variation 4677910 (VCV004677910.1).

ClinVar aggregate classification (germline): Uncertain significance (1 of 4 stars; one submission).

Conditions:
Hereditary cancer-predisposing syndrome. Also called: Neoplastic Syndromes, Hereditary; Tumor predisposition; Hereditary Cancer Syndrome; Hereditary neoplastic syndrome. Identifiers: Orphanet 140162, MedGen C0027672, MeSH D009386, MONDO:0015356.

Submission:

Ambry Genetics
Classification: Uncertain significance for Hereditary cancer-predisposing syndrome. Last evaluated: 2025-10-14. Review status: criteria provided, single submitter. Criteria: Ambry Variant Classification Scheme 2023. Collection method: clinical testing. Allele origin: germline.
Comment: The p.R1112G variant (also known as c.3334A>G), located in coding exon 21 of the RAD50 gene, results from an A to G substitution at nucleotide position 3334. The arginine at codon 1112 is replaced by glycine, an amino acid with dissimilar properties. This amino acid position is conserved. In addition, this alteration is predicted to be deleterious by in silico analysis. Based on the available evidence, the clinical significance of this variant remains unclear.